The following is an entry in ClinVar:

NM_004186.5(SEMA3F):c.762C>T (p.Asn254=)

Gene: SEMA3F (semaphorin 3F; plus strand). Cytogenetic location: 3p21.31.
Variant type: single nucleotide variant.
Coding change: c.762C>T on transcript NM_004186.5 (MANE Select); coding-DNA position 762, C replaced by T.
Protein change: p.Asn254=; no amino-acid change (asparagine 254 retained).
Molecular consequence: synonymous variant.
Genome position (GRCh38, 1-based): chr3:50,182,402, C>T. VCF-style: chr3-50182402-C-T. GRCh37 (hg19) VCF-style: chr3-50219835-C-T.
Other names: c.465C>T, p.Asn155= (NM_001318798.2); c.669C>T, p.Asn223= (NM_001318800.2).
Identifiers: ClinVar variation 3358635 (VCV003358635.1).

ClinVar aggregate classification (germline): Likely benign (0 of 4 stars; one submission).

Conditions:
SEMA3F-related disorder. Also called: SEMA3F-related condition.

gnomAD v4.1: 9 of 1,613,416 alleles (0.00056%); highest among the groups gnomAD compares: South Asian, 0.0033%; no homozygotes.

Submission:

PreventionGenetics, part of Exact Sciences
Classification: Likely benign for SEMA3F-related condition. Last evaluated: 2024-03-05. Review status: no assertion criteria provided. Collection method: clinical testing. Allele origin: germline.
Comment: This variant is classified as likely benign based on ACMG/AMP sequence variant interpretation guidelines (Richards et al. 2015 PMID: 25741868, with internal and published modifications).